The following is an entry in ClinVar:

NC_000007.13:g.(?_73442119)_(73484237_?)del

Gene: ELN (elastin; plus strand). Cytogenetic location: 7q11.23.
Variant type: Deletion.
Identifiers: ClinVar variation 417566 (VCV000417566.1).

ClinVar aggregate classification (germline): Pathogenic (1 of 4 stars; one submission).

Conditions:
Supravalvar aortic stenosis (SVAS). Also called: Supravalvar aortic stenosis, Eisenberg type. Identifiers: Orphanet 3193, MedGen C0003499, MONDO:0008504, OMIM 185500, HP:0004381.

Submission:

Labcorp Genetics (formerly Invitae), Labcorp
Classification: Pathogenic for Supravalvar aortic stenosis. Last evaluated: 2016-05-04. Review status: criteria provided, single submitter. Criteria: Invitae Variant Classification Sherloc (09022015). Collection method: clinical testing. Allele origin: germline.
Comment: A gross deletion of the genomic region encompassing the full coding sequence of the ELN gene has been identified. The boundaries of this event are unknown as the deletion extends beyond the assayed region for this gene and therefore may encompass additional genes. Gross deletions of the entire ELN gene have been reported in individuals affected with isolated supravalvular aortic stenosis, as well as in individuals affected with Williams-Beuren syndrome (PMID: 7693128, 7726172). Williams-Beuren syndrome is associated with the heterozygous deletion of 1.5 to 1.8Mb on chromosome 7q11.23, which includes the ELN gene. For these reasons, this variant has been classified as Pathogenic.